The following is an entry in ClinVar:

ClinVar aggregate classification (germline): Likely pathogenic (1 of 4 stars; one submission).

Submission:

GeneDx
Classification: Likely pathogenic. Last evaluated: 2013-01-24. Review status: criteria provided, single submitter. Criteria: GeneDx Variant Classification (06012015). Collection method: clinical testing. Allele origin: germline. Affected: yes.
Comment: p.Tyr266Cys (TAC>TGC): c.797 A>G in exon 5 of the KCNQ3 gene (NM_004519.2) The Tyr266Cys missense change has not been published as a mutation, nor has it been reported as a benign polymorphism to our knowledge. The NHLBI ESP Exome Variant Project has not identified Tyr266Cys in approximately 6,500 individuals of European or African American ethnicity, indicating that it is not a common benign variant in these populations. Although Cysteine and Tyrosine are both uncharged, polar amino acid residues, the gain of a Cysteine may affect disulfide bond formation in the protein. Tyr266Cys alters a conserved position in a transmembrane domain in the KCNQ3 protein and multiple in-silico algorithms predict it may be damaging to the structure/function of the protein. However, to our knowledge missense mutations have not been previously reported in the same region of the protein. Therefore, based on the currently available information, Tyr266Cys is a strong candidate for a disease-causing mutation, although the possibility that it is a benign variant cannot be excluded. The variant is found in INFANT-EPI panel(s).

NM_004519.4(KCNQ3):c.797A>G (p.Tyr266Cys)

Gene: KCNQ3 (potassium voltage-gated channel subfamily Q member 3; minus strand). Cytogenetic location: 8q24.22.
Variant type: single nucleotide variant.
Coding change: c.797A>G on transcript NM_004519.4 (MANE Select); coding-DNA position 797, A replaced by G.
Protein change: p.Tyr266Cys; replaces tyrosine 266 with cysteine.
Molecular consequence: missense variant.
Genome position (GRCh38, 1-based): chr8:132,175,589, T>C on the plus strand (A>G on the coding strand, the complement: KCNQ3 is on the minus strand). VCF-style: chr8-132175589-T-C. GRCh37 (hg19) VCF-style: chr8-133187836-T-C.
Other names: p.Y266C:TAC>TGC; c.437A>G, p.Tyr146Cys (NM_001204824.2); short protein forms Y266C, Y146C.
Identifiers: ClinVar variation 205964 (VCV000205964.2), dbSNP rs796052677, ClinGen allele CA315595.